The following is an entry in ClinVar:

NM_001355436.2(SPTB):c.6023-6T>A

Gene: SPTB (spectrin beta, erythrocytic; minus strand). Cytogenetic location: 14q23.3.
Variant type: single nucleotide variant.
Coding change: c.6023-6T>A on transcript NM_001355436.2 (MANE Select); 6 bases into the intron before coding-DNA position 6023, T replaced by A.
Molecular consequence: intron variant.
Genome position (GRCh38, 1-based): chr14:64,767,865, A>T on the plus strand (T>A on the coding strand, the complement: SPTB is on the minus strand). VCF-style: chr14-64767865-A-T. GRCh37 (hg19) VCF-style: chr14-65234583-A-T.
Other names: p.?; c.6023-6T>A (NM_001024858.4, NM_001355437.2).
Identifiers: ClinVar variation 4541839 (VCV004541839.1).

ClinVar aggregate classification (germline): Uncertain significance (1 of 4 stars; one submission).

Submission:

Mayo Clinic Laboratories, Mayo Clinic
Classification: Uncertain significance. Last evaluated: 2025-04-09. Review status: criteria provided, single submitter. Criteria: ACMG Guidelines, 2015. Collection method: clinical testing. Allele origin: germline. Observed: 1 variant allele.
Comment: PP3, PM2_supporting